The following is an entry in ClinVar:

NM_139321.3(ATRN):c.2629A>G (p.Asn877Asp)

Gene: ATRN (attractin; plus strand). Cytogenetic location: 20p13.
Variant type: single nucleotide variant.
Coding change: c.2629A>G on transcript NM_139321.3 (MANE Select); coding-DNA position 2629, A replaced by G.
Protein change: p.Asn877Asp; replaces asparagine 877 with aspartic acid.
Molecular consequence: missense variant.
Genome position (GRCh38, 1-based): chr20:3,582,219, A>G. VCF-style: chr20-3582219-A-G. GRCh37 (hg19) VCF-style: chr20-3562866-A-G.
Other names: c.2281A>G, p.Asn761Asp (NM_001207047.3); c.2629A>G, p.Asn877Asp (NM_001323332.2, NM_139322.4); c.2629A>G (NM_139321.2); short protein forms N761D, N877D.
Identifiers: ClinVar variation 1672148 (VCV001672148.32), dbSNP rs118065662, ClinGen allele CA9744319.

ClinVar aggregate classification (germline): Benign. Review status: criteria provided, multiple submitters, no conflicts (2 of 4 stars). 4 submissions from 4 submitters: Benign (3). 1 of the submissions does not count toward it. Last evaluated 2026-01-22.

Conditions:
ATRN-related disorder. Also called: ATRN-related condition.

Allele frequency attached by ClinVar (database versions not stated): 1000 Genomes Project 30x 0.00297; 1000 Genomes Project 0.00300; TOPMed 0.00719; ESP Exome Variant Server 0.00923; gnomAD 0.00942 and 0.00971; gnomAD exomes 0.00975 and 0.01221; ExAC 0.01017.

Submissions (13):

Labcorp Genetics (formerly Invitae), Labcorp
Classification: Benign. Last evaluated: 2026-01-22. Review status: criteria provided, single submitter. Criteria: Invitae Variant Classification Sherloc (09022015). Collection method: clinical testing. Allele origin: germline.

CeGaT Center for Human Genetics Tuebingen
Classification: Benign. Last evaluated: 2023-12-01. Review status: criteria provided, single submitter. Criteria: CeGaT Center For Human Genetics Tuebingen Variant Classification Criteria Version 2. Collection method: clinical testing. Allele origin: germline. Affected: yes. Observed: 1 variant allele.
Comment: ATRN: BS1, BS2

Breakthrough Genomics
Classification: Benign. Review status: criteria provided, single submitter. Criteria: ACMG Guidelines, 2015. Collection method: not provided. Allele origin: germline. Inheritance: Unknown mechanism. Affected: yes.

PreventionGenetics, part of Exact Sciences
Classification: Benign for ATRN-related condition. Last evaluated: 2024-08-02. Review status: no assertion criteria provided. Collection method: clinical testing. Allele origin: germline. Not counted in ClinVar's aggregate classification.
Comment: This variant is classified as benign based on ACMG/AMP sequence variant interpretation guidelines (Richards et al. 2015 PMID: 25741868, with internal and published modifications).

Dr. Peter K. Rogan Lab, Western University
No classification provided (evidence only). Condition: Clear cell carcinoma of kidney. Review status: no classification provided. Collection method: in vitro. Allele origin: not applicable. Functional consequence: retained intron. Not counted in ClinVar's aggregate classification.

Dr. Peter K. Rogan Lab, Western University
No classification provided (evidence only). Condition: Melanoma. Review status: no classification provided. Collection method: in vitro. Allele origin: not applicable. Functional consequence: retained intron. Not counted in ClinVar's aggregate classification.

Dr. Peter K. Rogan Lab, Western University
No classification provided (evidence only). Condition: Thyroid cancer, nonmedullary, 1. Review status: no classification provided. Collection method: in vitro. Allele origin: not applicable. Functional consequence: retained intron. Not counted in ClinVar's aggregate classification.

Dr. Peter K. Rogan Lab, Western University
No classification provided (evidence only). Condition: Uterine corpus endometrial carcinoma. Review status: no classification provided. Collection method: in vitro. Allele origin: not applicable. Functional consequence: retained intron. Not counted in ClinVar's aggregate classification.

Dr. Peter K. Rogan Lab, Western University
No classification provided (evidence only). Condition: Sarcoma. Review status: no classification provided. Collection method: in vitro. Allele origin: not applicable. Functional consequence: retained intron. Not counted in ClinVar's aggregate classification.

Dr. Peter K. Rogan Lab, Western University
No classification provided (evidence only). Condition: Sarcoma. Review status: no classification provided. Collection method: in vitro. Allele origin: not applicable. Functional consequence: retained intron. Not counted in ClinVar's aggregate classification.

Dr. Peter K. Rogan Lab, Western University
No classification provided (evidence only). Condition: Hepatocellular carcinoma. Review status: no classification provided. Collection method: in vitro. Allele origin: not applicable. Functional consequence: retained intron. Not counted in ClinVar's aggregate classification.

Dr. Peter K. Rogan Lab, Western University
No classification provided (evidence only). Condition: Thymoma. Review status: no classification provided. Collection method: in vitro. Allele origin: not applicable. Functional consequence: retained intron. Not counted in ClinVar's aggregate classification.

Dr. Peter K. Rogan Lab, Western University
No classification provided (evidence only). Condition: Uveal melanoma. Review status: no classification provided. Collection method: in vitro. Allele origin: not applicable. Functional consequence: retained intron. Not counted in ClinVar's aggregate classification.